The following is an entry in ClinVar:

ClinVar aggregate classification (germline): Uncertain significance (1 of 4 stars; one submission).

Conditions:
Autosomal dominant polycystic kidney disease. Identifiers: Orphanet 730, MedGen C0085413, MONDO:0004691.

Submission:

Labcorp Genetics (formerly Invitae), Labcorp
Classification: Uncertain significance for Autosomal dominant polycystic kidney disease. Last evaluated: 2025-11-04. Review status: criteria provided, single submitter. Criteria: Invitae Variant Classification Sherloc (09022015). Collection method: clinical testing. Allele origin: germline.
Comment: This sequence change replaces glycine, which is neutral and non-polar, with serine, which is neutral and polar, at codon 135 of the PKD2 protein (p.Gly135Ser). Information on the frequency of this variant in the gnomAD database is not available, as this variant may be reported differently in the database. This variant has not been reported in the literature in individuals affected with PKD2-related conditions. ClinVar contains an entry for this variant (Variation ID: 1984705). Experimental studies and prediction algorithms are not available or were not evaluated, and the functional significance of this variant is currently unknown. In summary, the available evidence is currently insufficient to determine the role of this variant in disease. Therefore, it has been classified as a Variant of Uncertain Significance.

NM_000297.4(PKD2):c.402_403delinsAA (p.Gly135Ser)

Genes: PKD2 (polycystin 2, transient receptor potential cation channel; plus strand), LOC129992813 (ATAC-STARR-seq lymphoblastoid silent region 15559; plus strand). Cytogenetic location: 4q22.1.
Variant type: Indel.
Coding change: c.402_403delinsAA on transcript NM_000297.4 (MANE Select); coding-DNA positions 402 to 403, GG replaced by AA.
Protein change: p.Gly135Ser; replaces glycine 135 with serine.
Molecular consequence: missense variant. On other transcripts: non-coding transcript variant (1).
Genome position (GRCh38, 1-based): chr4:88,008,135-88,008,136, GG replaced by AA. VCF-style: chr4-88008135-GG-AA. GRCh37 (hg19) VCF-style: chr4-88929287-GG-AA.
Other names: short protein forms G135S.
Identifiers: ClinVar variation 1984705 (VCV001984705.4), dbSNP rs2476358171, ClinGen allele CA2580071875.